The following is an entry in ClinVar:

NM_058216.3(RAD51C):c.397C>G (p.Gln133Glu)

Gene: RAD51C (RAD51 paralog C; plus strand). Cytogenetic location: 17q22.
Variant type: single nucleotide variant.
Coding change: c.397C>G on transcript NM_058216.3 (MANE Select); coding-DNA position 397, C replaced by G.
Protein change: p.Gln133Glu; replaces glutamine 133 with glutamic acid.
Molecular consequence: missense variant. On other transcripts: non-coding transcript variant (2).
Genome position (GRCh38, 1-based): chr17:58,695,182, C>G. VCF-style: chr17-58695182-C-G. GRCh37 (hg19) VCF-style: chr17-56772543-C-G.
Other names: c.397C>G, p.Gln133Glu (NM_002876.4); short protein forms Q133E.
Identifiers: ClinVar variation 230813 (VCV000230813.20), dbSNP rs387907159, ClinGen allele CA10580739.

ClinVar aggregate classification (germline): Uncertain significance. Review status: criteria provided, multiple submitters, no conflicts (2 of 4 stars). 7 submissions from 7 submitters: Uncertain significance (7). Last evaluated 2025-11-09.

Conditions:
Hereditary cancer-predisposing syndrome. Also called: Hereditary Cancer Syndrome; Neoplastic Syndromes, Hereditary; Tumor predisposition; Hereditary neoplastic syndrome. Identifiers: Orphanet 140162, MedGen C0027672, MeSH D009386, MONDO:0015356.
Fanconi anemia complementation group O. Also called: RAD51C-Related Fanconi Anemia. Identifiers: Orphanet 84, MedGen C3150653, MONDO:0013248, OMIM 613390.
Breast-ovarian cancer, familial, susceptibility to, 3. Also called: RAD51C-Related Breast/Ovarian Cancer. Identifiers: Orphanet 145, MedGen C3150659, MONDO:0013253, OMIM 613399.

Allele frequency attached by ClinVar (database versions not stated): TOPMed 0.00001; gnomAD 0.00002.
gnomAD v4.1: 6 of 1,610,194 alleles (0.00037%); highest among the groups gnomAD compares: Middle Eastern, 0.016%; no homozygotes.

Submissions (7):

Labcorp Genetics (formerly Invitae), Labcorp
Classification: Uncertain significance for Fanconi anemia complementation group O. Last evaluated: 2025-11-09. Review status: criteria provided, single submitter. Criteria: Invitae Variant Classification Sherloc (09022015). Collection method: clinical testing. Allele origin: germline.
Comment: This sequence change replaces glutamine, which is neutral and polar, with glutamic acid, which is acidic and polar, at codon 133 of the RAD51C protein (p.Gln133Glu). This variant is present in population databases (no rsID available, gnomAD 0.008%). This variant has not been reported in the literature in individuals affected with RAD51C-related conditions. ClinVar contains an entry for this variant (Variation ID: 230813). Invitae Evidence Modeling of protein sequence and biophysical properties (such as structural, functional, and spatial information, amino acid conservation, physicochemical variation, residue mobility, and thermodynamic stability) indicates that this missense variant is expected to disrupt RAD51C protein function with a positive predictive value of 80%. Experimental studies have shown that this missense change affects RAD51C function (PMID: 37253112). In summary, the available evidence is currently insufficient to determine the role of this variant in disease. Therefore, it has been classified as a Variant of Uncertain Significance.

GeneDx
Classification: Uncertain significance. Last evaluated: 2024-12-02. Review status: criteria provided, single submitter. Criteria: GeneDx Variant Classification Process June 2021. Collection method: clinical testing. Allele origin: germline. Affected: yes.
Comment: Not observed at significant frequency in large population cohorts (gnomAD); In silico analysis supports that this missense variant has a deleterious effect on protein structure/function; Published functional studies demonstrate a damaging effect: loss of homologous recombination repair activity and increased sensitivity to DNA damaging agents (PMID: 37253112); This variant is associated with the following publications: (PMID: 33471991, 14704354, 32868316, 25186627, 37253112)

Baylor Genetics
Classification: Uncertain significance for Breast-ovarian cancer, familial, susceptibility to, 3. Last evaluated: 2024-01-23. Review status: criteria provided, single submitter. Criteria: ACMG Guidelines, 2015. Collection method: clinical testing. Allele origin: unknown.

Ambry Genetics
Classification: Uncertain significance for Hereditary cancer-predisposing syndrome. Last evaluated: 2023-08-17. Review status: criteria provided, single submitter. Criteria: Ambry Variant Classification Scheme 2023. Collection method: clinical testing. Allele origin: germline.
Comment: The p.Q133E variant (also known as c.397C>G), located in coding exon 2 of the RAD51C gene, results from a C to G substitution at nucleotide position 397. The glutamine at codon 133 is replaced by glutamic acid, an amino acid with highly similar properties. This alteration has been identified in multiple individuals diagnosed with breast cancer (Tung N et al. Cancer, 2015 Jan;121:25-33; Purrington KS et al. Cancer Epidemiol Biomarkers Prev, 2020 Nov;29:2369-2375; Dorling et al. N Engl J Med, 2021 02;384:428-439). This amino acid position is highly conserved in available vertebrate species. In addition, the in silico prediction for this alteration is inconclusive. Since supporting evidence is limited at this time, the clinical significance of this alteration remains unclear.

Sema4
Classification: Uncertain significance for Hereditary cancer-predisposing syndrome. Last evaluated: 2022-02-04. Review status: criteria provided, single submitter. Criteria: Sema4 Curation Guidelines. Collection method: curation. Allele origin: germline.
Comment: The RAD51C c.397C>G (p.Q133E) variant has been reported in heterozygosity in at least two individuals with breast cancer (PMID: 33471991, 32868316). It was observed in 2/24702 chromosomes of the African/African American subpopulation in the large and broad cohorts of the Genome Aggregation Database (PMID: 32461654). The variant has been reported in ClinVar (Variation ID 230813). Functional studies have not been performed, and in silico predictions of the variant's effect on protein function are inconclusive. The evidence is insufficient to meet ACMG/AMP criteria for classifying the variant as benign or pathogenic. Thus, the clinical significance of this variant is currently uncertain.

Color Diagnostics, LLC DBA Color Health
Classification: Uncertain significance for Hereditary cancer-predisposing syndrome. Last evaluated: 2019-04-24. Review status: criteria provided, single submitter. Criteria: ACMG Guidelines, 2015. Collection method: clinical testing. Allele origin: germline.

Women's Health and Genetics/Laboratory Corporation of America, LabCorp
Classification: Uncertain significance. Last evaluated: 2016-03-07. Review status: criteria provided, single submitter. Criteria: LabCorp Variant Classification Summary - May 2015. Collection method: clinical testing. Allele origin: germline.
Comment: Variant summary: The c.397C>G variant affects a conserved nucleotide, resulting in amino acid change from Gln to Glu. 3/4 in-silico tools predict this variant to be damaging (SNPs&GO not captured due to low reliability index). 4/5 programs in Alamut predict that this variant does not affect normal splicing. ESE finder predicts that this variant may affect ESE site of SC35. However, these predictions are not confirmed by experimental studies. This variant is not found in 117862 control chromosomes. The variant of interest has not, to our knowledge, been reported in affected individuals via publications and/or reputable databases/clinical laboratories; nor evaluated for functional impact by in vivo/vitro studies. Because of the absence of clinical information and the lack of functional studies, the variant was classified as a variant of uncertain significance (VUS) until additional information becomes available.

Literature cited by the submitters: PubMed 37253112 (cited by Labcorp Genetics (formerly Invitae), Labcorp); PubMed 25186627 (cited by Ambry Genetics); PubMed 32868316 (cited by Ambry Genetics and Sema4); PubMed 33471991 (cited by Ambry Genetics and Sema4).